The following is an entry in ClinVar:

NM_005337.5(NCKAP1L):c.1975G>C (p.Asp659His)

Gene: NCKAP1L (NCK associated protein 1 like; plus strand). Cytogenetic location: 12q13.2.
Variant type: single nucleotide variant.
Coding change: c.1975G>C on transcript NM_005337.5 (MANE Select); coding-DNA position 1975, G replaced by C.
Protein change: p.Asp659His; replaces aspartic acid 659 with histidine.
Molecular consequence: missense variant.
Genome position (GRCh38, 1-based): chr12:54,523,490, G>C. VCF-style: chr12-54523490-G-C. GRCh37 (hg19) VCF-style: chr12-54917274-G-C.
Other names: c.1825G>C, p.Asp609His (NM_001184976.2); short protein forms D659H, D609H.
Identifiers: ClinVar variation 1913344 (VCV001913344.5), dbSNP rs2498609742, ClinGen allele CA385139895.

ClinVar aggregate classification (germline): Uncertain significance (1 of 4 stars; one submission).

Submission:

Labcorp Genetics (formerly Invitae), Labcorp
Classification: Uncertain significance. Last evaluated: 2023-10-13. Review status: criteria provided, single submitter. Criteria: Invitae Variant Classification Sherloc (09022015). Collection method: clinical testing. Allele origin: germline.
Comment: This sequence change replaces aspartic acid, which is acidic and polar, with histidine, which is basic and polar, at codon 659 of the NCKAP1L protein (p.Asp659His). This variant is not present in population databases (gnomAD no frequency). This variant has not been reported in the literature in individuals affected with NCKAP1L-related conditions. ClinVar contains an entry for this variant (Variation ID: 1913344). An algorithm developed to predict the effect of missense changes on protein structure and function (PolyPhen-2) suggests that this variant is likely to be disruptive. In summary, the available evidence is currently insufficient to determine the role of this variant in disease. Therefore, it has been classified as a Variant of Uncertain Significance.